The following is an entry in ClinVar:

ClinVar aggregate classification (germline): Uncertain significance (1 of 4 stars; one submission).

Submission:

Ambry Genetics
Classification: Uncertain significance. Last evaluated: 2022-11-12. Review status: criteria provided, single submitter. Criteria: Ambry Variant Classification Scheme 2023. Collection method: clinical testing. Allele origin: germline.
Comment: The p.E661A variant (also known as c.1982A>C), located in coding exon 13 of the NPAT gene, results from an A to C substitution at nucleotide position 1982. The glutamic acid at codon 661 is replaced by alanine, an amino acid with dissimilar properties. This amino acid position is conserved. In addition, this alteration is predicted to be tolerated by in silico analysis. Since supporting evidence is limited at this time, the clinical significance of this alteration remains unclear.

NM_002519.3(NPAT):c.1982A>C (p.Glu661Ala)

Gene: NPAT (nuclear protein, coactivator of histone transcription; minus strand). Cytogenetic location: 11q22.3.
Variant type: single nucleotide variant.
Coding change: c.1982A>C on transcript NM_002519.3 (MANE Select); coding-DNA position 1982, A replaced by C.
Protein change: p.Glu661Ala; replaces glutamic acid 661 with alanine.
Molecular consequence: missense variant.
Genome position (GRCh38, 1-based): chr11:108,173,002, T>G on the plus strand (A>C on the coding strand, the complement: NPAT is on the minus strand). VCF-style: chr11-108173002-T-G. GRCh37 (hg19) VCF-style: chr11-108043729-T-G.
Other names: c.1982A>C, p.Glu661Ala (NM_001321307.1); short protein forms E661A.
Identifiers: ClinVar variation 2496710 (VCV002496710.2), dbSNP rs2077968785, ClinGen allele CA382513929.